The following is an entry in ClinVar:

NM_001267550.2(TTN):c.91965C>A (p.Tyr30655Ter)

Genes: TTN (titin; minus strand), TTN-AS1 (TTN antisense RNA 1; plus strand). Cytogenetic location: 2q31.2.
Variant type: single nucleotide variant.
Coding change: c.91965C>A on transcript NM_001267550.2 (MANE Select); coding-DNA position 91965, C replaced by A.
Protein change: p.Tyr30655Ter; replaces tyrosine 30655 with a stop codon.
Molecular consequence: nonsense.
Genome position (GRCh38, 1-based): chr2:178,549,757, G>T on the plus strand (C>A on the coding strand, the complement: TTN is on the minus strand). VCF-style: chr2-178549757-G-T. GRCh37 (hg19) VCF-style: chr2-179414484-G-T.
Other names: c.87042C>A, p.Tyr29014Ter (NM_001256850.1); c.64770C>A, p.Tyr21590Ter (NM_003319.4); c.84261C>A, p.Tyr28087Ter (NM_133378.4); c.65145C>A, p.Tyr21715Ter (NM_133432.3); c.65346C>A, p.Tyr21782Ter (NM_133437.4); short protein forms Y30655*, Y28087*, Y21782*, Y29014*, Y21715*, Y21590*.
Identifiers: ClinVar variation 404650 (VCV000404650.10), dbSNP rs1060500402, ClinGen allele CA16610337.

ClinVar aggregate classification (germline): Likely pathogenic (1 of 4 stars; one submission).

Conditions:
Dilated cardiomyopathy 1G (CMD1G). Identifiers: Orphanet 154, MedGen C1858763, MONDO:0011400, OMIM 604145.
Autosomal recessive limb-girdle muscular dystrophy type 2J (LGMDR10). Also called: Limb-girdle muscular dystrophy, type 2J; MUSCULAR DYSTROPHY, LIMB-GIRDLE, AUTOSOMAL RECESSIVE 10. Identifiers: Orphanet 140922, MedGen C1837342, MONDO:0012127, OMIM 608807.

Submission:

Labcorp Genetics (formerly Invitae), Labcorp
Classification: Likely pathogenic for Dilated cardiomyopathy 1G; Autosomal recessive limb-girdle muscular dystrophy type 2J. Last evaluated: 2017-05-08. Review status: criteria provided, single submitter. Criteria: Invitae Variant Classification Sherloc (09022015). Collection method: clinical testing. Allele origin: germline.
Comment: This sequence change results in a premature translational stop signal in the TTN mRNA at codon 30655 (p.Tyr30655*). While this is not anticipated to result in nonsense mediated decay, it is expected to delete the last 5337 amino acids of the TTN protein. This variant is found in the A-band of this gene. While this particular variant has not been reported in the literature, truncating variants in the A-band of TTN are significantly overrepresented in patients with dilated cardiomyopathy and are considered to be likely pathogenic for the disease (PMID: 25589632). For these reasons, this variant has been classified as Likely Pathogenic.

Literature cited by the submitters: PubMed 25589632.